The following is an entry in ClinVar:

ClinVar aggregate classification (germline): Pathogenic (1 of 4 stars; one submission).

Conditions:
Neurofibromatosis, type 1 (NF1). Also called: NEUROFIBROMATOSIS, TYPE I, SOMATIC; Peripheral type neurofibromatosis; Neurofibromatosis, type I; VON RECKLINGHAUSEN DISEASE. Identifiers: Orphanet 636, MedGen C0027831, MONDO:0018975, OMIM 162200. Disease mechanism: loss of function.

Submission:

Regional Center For Medical Genetics Timis, Louis Turcanu Emergency Hospital for Children Timisoara
Classification: Pathogenic for Neurofibromatosis, type 1. Review status: criteria provided, single submitter. Criteria: ACMG Guidelines, 2015. Collection method: clinical testing. Allele origin: unknown. Affected: yes.
Comment: This variant is a gross deletion of the genomic region encompassing exons 51-57 of the NF1 gene. The variant introduces a premature stop codon into the sequence, leading to loss of function as a consequence of the reading frame shift. Loss-of-function variants in NF1 are well established as pathogenic. The patient's phenotype is specific for NF1. For these reasons, this variant has been classified as pathogenic.

NM_001042492.3:c.(7457+1_7458-1)_(8377+1_8378-1)del

Gene: NF1 (neurofibromin 1; plus strand).
Variant type: Deletion.
Other names: c.(7457+1_7458-1)_(8377+1_8378-1)del (NM_001042492.3).
Identifiers: ClinVar variation 4857617 (VCV004857617.1).